The following is an entry in ClinVar:

NM_021224.6(ZNF462):c.1068A>G (p.Leu356=)

Gene: ZNF462 (zinc finger protein 462; plus strand). Cytogenetic location: 9q31.2.
Variant type: single nucleotide variant.
Coding change: c.1068A>G on transcript NM_021224.6 (MANE Select); coding-DNA position 1068, A replaced by G.
Protein change: p.Leu356=; no amino-acid change (leucine 356 retained).
Molecular consequence: synonymous variant.
Genome position (GRCh38, 1-based): chr9:106,924,980, A>G. VCF-style: chr9-106924980-A-G. GRCh37 (hg19) VCF-style: chr9-109687261-A-G.
Other names: c.1068A>G, p.Leu356= (NM_001347997.2).
Identifiers: ClinVar variation 2659367 (VCV002659367.24), dbSNP rs756115437, ClinGen allele CA5171271.

ClinVar aggregate classification (germline): Likely benign (1 of 4 stars; one submission).

Allele frequency attached by ClinVar (database versions not stated): TOPMed below 0.00001; gnomAD exomes 0.00001; ExAC 0.00002.
gnomAD v4.1: 4 of 1,614,228 alleles (0.00025%); highest among the groups gnomAD compares: Admixed American, 0.0017%; no homozygotes.

Submission:

CeGaT Center for Human Genetics Tuebingen
Classification: Likely benign. Last evaluated: 2022-11-01. Review status: criteria provided, single submitter. Criteria: CeGaT Center For Human Genetics Tuebingen Variant Classification Criteria Version 2. Collection method: clinical testing. Allele origin: germline. Affected: yes. Observed: 1 variant allele.
Comment: ZNF462: BP4, BP7